The following is an entry in ClinVar:

NM_181486.4(TBX5):c.724A>G (p.Met242Val)

Gene: TBX5 (T-box transcription factor 5; minus strand). Cytogenetic location: 12q24.21.
Variant type: single nucleotide variant.
Coding change: c.724A>G on transcript NM_181486.4 (MANE Select); coding-DNA position 724, A replaced by G.
Protein change: p.Met242Val; replaces methionine 242 with valine.
Molecular consequence: missense variant.
Genome position (GRCh38, 1-based): chr12:114,385,507, T>C on the plus strand (A>G on the coding strand, the complement: TBX5 is on the minus strand). VCF-style: chr12-114385507-T-C. GRCh37 (hg19) VCF-style: chr12-114823312-T-C.
Other names: c.724A>G, p.Met242Val (NM_000192.3); c.574A>G, p.Met192Val (NM_080717.4); short protein forms M192V, M242V.
Identifiers: ClinVar variation 4865366 (VCV004865366.2).

ClinVar aggregate classification (germline): Uncertain significance (1 of 4 stars; one submission).

Conditions:
Cardiovascular phenotype. Identifiers: MedGen CN230736.

gnomAD v4.1: 1 of 1,614,202 alleles (0.000062%); highest among the groups gnomAD compares: Non-Finnish European, 0.000085%; no homozygotes.

Submission:

Ambry Genetics
Classification: Uncertain significance for Cardiovascular phenotype. Last evaluated: 2026-07-01. Review status: criteria provided, single submitter. Criteria: Ambry Variant Classification Scheme 2023. Collection method: clinical testing. Allele origin: germline.
Comment: The p.M242V variant (also known as c.724A>G), located in coding exon 6 of the TBX5 gene, results from an A to G substitution at nucleotide position 724. The methionine at codon 242 is replaced by valine, an amino acid with highly similar properties. This amino acid position is well conserved in available vertebrate species. In addition, the in silico prediction for this alteration is inconclusive. Based on the available evidence, the clinical significance of this variant remains unclear.